The following is an entry in ClinVar:

ClinVar aggregate classification (germline): Uncertain significance (1 of 4 stars; one submission).

Allele frequency attached by ClinVar (database versions not stated): gnomAD 0.00001; gnomAD exomes 0.00001; TOPMed 0.00002.
gnomAD v4.1: 12 of 1,613,492 alleles (0.00074%); highest among the groups gnomAD compares: Admixed American, 0.005%; no homozygotes.

Submission:

Labcorp Genetics (formerly Invitae), Labcorp
Classification: Uncertain significance. Last evaluated: 2022-02-05. Review status: criteria provided, single submitter. Criteria: Invitae Variant Classification Sherloc (09022015). Collection method: clinical testing. Allele origin: germline.
Comment: In summary, the available evidence is currently insufficient to determine the role of this variant in disease. Therefore, it has been classified as a Variant of Uncertain Significance. Algorithms developed to predict the effect of missense changes on protein structure and function are either unavailable or do not agree on the potential impact of this missense change (SIFT: "Deleterious"; PolyPhen-2: "Probably Damaging"; Align-GVGD: "Class C0"). This variant has not been reported in the literature in individuals affected with DIAPH3-related conditions. This variant is present in population databases (no rsID available, gnomAD 0.003%). This sequence change replaces serine, which is neutral and polar, with arginine, which is basic and polar, at codon 265 of the DIAPH3 protein (p.Ser265Arg).

NM_001042517.2(DIAPH3):c.795T>G (p.Ser265Arg)

Gene: DIAPH3 (diaphanous related formin 3; minus strand). Cytogenetic location: 13q21.2.
Variant type: single nucleotide variant.
Coding change: c.795T>G on transcript NM_001042517.2 (MANE Select); coding-DNA position 795, T replaced by G.
Protein change: p.Ser265Arg; replaces serine 265 with arginine.
Molecular consequence: missense variant.
Genome position (GRCh38, 1-based): chr13:60,010,646, A>C on the plus strand (T>G on the coding strand, the complement: DIAPH3 is on the minus strand). VCF-style: chr13-60010646-A-C. GRCh37 (hg19) VCF-style: chr13-60584780-A-C.
Other names: c.762T>G, p.Ser254Arg (NM_001258366.2); c.657T>G, p.Ser219Arg (NM_001258367.2); c.585T>G, p.Ser195Arg (NM_001258368.2); c.795T>G, p.Ser265Arg (NM_001258369.2); c.6T>G, p.Ser2Arg (NM_001258370.2, NM_030932.4); short protein forms S195R, S219R, S254R, S2R, S265R.
Identifiers: ClinVar variation 1431413 (VCV001431413.8), dbSNP rs1489183078, ClinGen allele CA388335074.